The following is an entry in ClinVar:

NM_001008537.3(NEXMIF):c.2123_2124del (p.Glu708fs)

Gene: NEXMIF (neurite extension and migration factor; minus strand). Cytogenetic location: Xq13.3.
Variant type: Microsatellite.
Coding change: c.2123_2124del on transcript NM_001008537.3 (MANE Select); coding-DNA positions 2123 to 2124, 2 bases deleted (AG; older notation c.2123_2124delAG).
Protein change: p.Glu708fs; shifts the reading frame from glutamic acid 708.
Molecular consequence: frameshift variant.
Genome position (GRCh38, 1-based): chrX:74,742,433-74,742,434, CT deleted on the plus strand (AG on the coding strand, the reverse complement: NEXMIF is on the minus strand); deleting any 2 consecutive bases within chrX:74,742,433-74,742,436 gives the same sequence; the c. name uses the placement nearest the transcript's 3' end. VCF-style (leftmost placement, unchanged base first): chrX-74742432-ACT-A. GRCh37 (hg19) VCF-style: chrX-73962267-ACT-A.
Other names: short protein forms E708fs.
Identifiers: ClinVar variation 1374270 (VCV001374270.6), dbSNP rs2147440462, ClinGen allele CA2580612364.

ClinVar aggregate classification (germline): Pathogenic (1 of 4 stars; one submission).

Submission:

Labcorp Genetics (formerly Invitae), Labcorp
Classification: Pathogenic. Last evaluated: 2021-05-07. Review status: criteria provided, single submitter. Criteria: Invitae Variant Classification Sherloc (09022015). Collection method: clinical testing. Allele origin: germline.
Comment: This sequence change creates a premature translational stop signal (p.Glu708Valfs*2) in the NEXMIF gene. It is expected to result in an absent or disrupted protein product. Loss-of-function variants in NEXMIF are known to be pathogenic (PMID: 23615299). For these reasons, this variant has been classified as Pathogenic. This variant has not been reported in the literature in individuals with NEXMIF-related conditions. This variant is not present in population databases (ExAC no frequency).

Literature cited by the submitters: PubMed 23615299.